The following is an entry in ClinVar:

NM_001205293.3(CACNA1E):c.101G>C (p.Gly34Ala)

Gene: CACNA1E (calcium voltage-gated channel subunit alpha1 E; plus strand). Cytogenetic location: 1q25.3.
Variant type: single nucleotide variant.
Coding change: c.101G>C on transcript NM_001205293.3 (MANE Select); coding-DNA position 101, G replaced by C.
Protein change: p.Gly34Ala; replaces glycine 34 with alanine.
Molecular consequence: missense variant.
Genome position (GRCh38, 1-based): chr1:181,483,845, G>C. VCF-style: chr1-181483845-G-C. GRCh37 (hg19) VCF-style: chr1-181452981-G-C.
Other names: c.101G>C, p.Gly34Ala (NM_000721.4, NM_001205294.2); short protein forms G34A.
Identifiers: ClinVar variation 1314207 (VCV001314207.2), dbSNP rs2102468518, ClinGen allele CA343844343.

ClinVar aggregate classification (germline): Uncertain significance (1 of 4 stars; one submission).

Submission:

GeneDx
Classification: Uncertain significance. Last evaluated: 2020-02-27. Review status: criteria provided, single submitter. Criteria: GeneDx Variant Classification Process June 2021. Collection method: clinical testing. Allele origin: germline. Affected: yes.
Comment: Not observed in large population cohorts (Lek et al., 2016); In silico analysis supports that this missense variant has a deleterious effect on protein structure/function; In-silico analysis, which includes splice predictors and evolutionary conservation, is inconclusive as to whether the variant alters gene splicing. In the absence of RNA/functional studies, the actual effect of this sequence change is unknown.; Has not been previously published as pathogenic or benign to our knowledge